The following is an entry in ClinVar:

NM_004937.3(CTNS):c.562-1G>C

Genes: CTNS (cystinosin, lysosomal cystine transporter; plus strand), CTNS-AS1 (CTNS antisense RNA 1; minus strand). Cytogenetic location: 17p13.2.
Variant type: single nucleotide variant.
Coding change: c.562-1G>C on transcript NM_004937.3 (MANE Select); the canonical splice acceptor site of the intron before coding-DNA position 562, G replaced by C.
Molecular consequence: splice acceptor variant.
Genome position (GRCh38, 1-based): chr17:3,656,675, G>C. VCF-style: chr17-3656675-G-C. GRCh37 (hg19) VCF-style: chr17-3559969-G-C.
Other names: c.562-1G>C (NM_001031681.3, NM_001374492.1); c.121-1G>C (NM_001374493.1, NM_001374495.1, NM_001374494.1 and 1 more transcripts).
Identifiers: ClinVar variation 2925595 (VCV002925595.3), dbSNP rs2507762815, ClinGen allele CA397691434.

ClinVar aggregate classification (germline): Likely pathogenic (1 of 4 stars; one submission).

Conditions:
Inborn genetic diseases. Identifiers: MedGen C0950123, MeSH D030342.
Ocular cystinosis. Also called: Non-Nephropathic (Ocular) Cystinosis; Non-Nephropathic Cystinosis. Identifiers: Orphanet 213, Orphanet 411641, MedGen C2931013, MONDO:0009064, OMIM 219750.
Juvenile nephropathic cystinosis. Also called: Later-Onset (Juvenile) Cystinosis; Intermediate Cystinosis; CYSTINOSIS, LATE-ONSET JUVENILE OR ADOLESCENT NEPHROPATHIC TYPE. Identifiers: Orphanet 213, Orphanet 411634, MedGen C0268626, MONDO:0009066, OMIM 219900.

Submission:

Labcorp Genetics (formerly Invitae), Labcorp
Classification: Likely pathogenic for Inborn genetic diseases; Ocular cystinosis; Juvenile nephropathic cystinosis. Last evaluated: 2023-11-17. Review status: criteria provided, single submitter. Criteria: Invitae Variant Classification Sherloc (09022015). Collection method: clinical testing. Allele origin: germline.
Comment: This sequence change affects an acceptor splice site in intron 8 of the CTNS gene. It is expected to disrupt RNA splicing. Variants that disrupt the donor or acceptor splice site typically lead to a loss of protein function (PMID: 16199547), and loss-of-function variants in CTNS are known to be pathogenic (PMID: 9537412, 27102039). This variant is not present in population databases (gnomAD no frequency). Disruption of this splice site has been observed in individual(s) with cystinosis (PMID: 9537412). This variant is also known as c.901-1G>C. Algorithms developed to predict the effect of sequence changes on RNA splicing suggest that this variant may disrupt the consensus splice site. In summary, the currently available evidence indicates that the variant is pathogenic, but additional data are needed to prove that conclusively. Therefore, this variant has been classified as Likely Pathogenic.

Literature cited by the submitters: PubMed 16199547; PubMed 9537412; PubMed 27102039.